The following is an entry in ClinVar:

ClinVar aggregate classification (germline): Uncertain significance. Review status: criteria provided, multiple submitters, no conflicts (2 of 4 stars). 2 submissions from 2 submitters: Uncertain significance (2). Last evaluated 2023-11-13.

Allele frequency attached by ClinVar (database versions not stated): gnomAD exomes 0.00001; ExAC 0.00003; gnomAD 0.00006; TOPMed 0.00011; ESP Exome Variant Server 0.00023.
gnomAD v4.1: 19 of 1,613,162 alleles (0.0012%); highest among the groups gnomAD compares: African/African-American, 0.021%; no homozygotes.

Submissions (2):

Ambry Genetics
Classification: Uncertain significance. Last evaluated: 2023-11-13. Review status: criteria provided, single submitter. Criteria: Ambry Variant Classification Scheme 2023. Collection method: clinical testing. Allele origin: germline.

Labcorp Genetics (formerly Invitae), Labcorp
Classification: Uncertain significance. Last evaluated: 2022-11-21. Review status: criteria provided, single submitter. Criteria: Invitae Variant Classification Sherloc (09022015). Collection method: clinical testing. Allele origin: germline.
Comment: In summary, the available evidence is currently insufficient to determine the role of this variant in disease. Therefore, it has been classified as a Variant of Uncertain Significance. Algorithms developed to predict the effect of missense changes on protein structure and function (SIFT, PolyPhen-2, Align-GVGD) all suggest that this variant is likely to be tolerated. This variant has not been reported in the literature in individuals affected with SULF1-related conditions. This variant is present in population databases (rs376608568, gnomAD 0.03%). This sequence change replaces lysine, which is basic and polar, with glutamic acid, which is acidic and polar, at codon 648 of the SULF1 protein (p.Lys648Glu).

NM_001128205.2(SULF1):c.1942A>G (p.Lys648Glu)

Gene: SULF1 (sulfatase 1; plus strand). Cytogenetic location: 8q13.3.
Variant type: single nucleotide variant.
Coding change: c.1942A>G on transcript NM_001128205.2 (MANE Select); coding-DNA position 1942, A replaced by G.
Protein change: p.Lys648Glu; replaces lysine 648 with glutamic acid.
Molecular consequence: missense variant. On other transcripts: non-coding transcript variant (7).
Genome position (GRCh38, 1-based): chr8:69,627,301, A>G. VCF-style: chr8-69627301-A-G. GRCh37 (hg19) VCF-style: chr8-70539536-A-G.
Other names: c.1942A>G (NM_001128205.1); c.1942A>G, p.Lys648Glu (NM_001412833.1, NM_001412834.1, NM_001412835.1 and 10 more transcripts); c.1885A>G, p.Lys629Glu (NM_001412836.1, NM_001412837.1); c.1813A>G, p.Lys605Glu (NM_001412838.1, NM_001412839.1, NM_001412840.1 and 1 more transcripts); c.1756A>G, p.Lys586Glu (NM_001412841.1, NM_001412842.1); c.1342A>G, p.Lys448Glu (NM_001412844.1, NM_001412845.1); c.151A>G, p.Lys51Glu (NM_001412846.1); short protein forms K448E, K605E, K629E, K586E, K51E, K648E.
Identifiers: ClinVar variation 3009732 (VCV003009732.4), dbSNP rs376608568, ClinGen allele CA4776007.
Genomic context (GRCh38, chr8:69,627,301, plus strand): 5'-TGTGAGAGAGAACTGTACCAATCGGCCAGAGCGTGGAAGGACCATAAGGCATACATTGAC[A>G]AAGAGGTTAGCCATGGCTATGTGACTGTCAGATATATTCCAAACTCAAACTCGGCCTGCC-3'
Protein context (NP_001121677.1, residues 638-658): AWKDHKAYID[Lys648Glu]EIEALQDKIK